The following is an entry in ClinVar:

NM_001267550.2(TTN):c.76802C>T (p.Thr25601Met)

Genes: TTN-AS1 (TTN antisense RNA 1; plus strand), TTN (titin; minus strand). Cytogenetic location: 2q31.2.
Variant type: single nucleotide variant.
Coding change: c.76802C>T on transcript NM_001267550.2 (MANE Select); coding-DNA position 76802, C replaced by T.
Protein change: p.Thr25601Met; replaces threonine 25601 with methionine.
Molecular consequence: missense variant.
Genome position (GRCh38, 1-based): chr2:178,569,330, G>A on the plus strand (C>T on the coding strand, the complement: TTN is on the minus strand). VCF-style: chr2-178569330-G-A. GRCh37 (hg19) VCF-style: chr2-179434057-G-A.
Other names: p.Thr23960Met; c.71879C>T, p.Thr23960Met (NM_001256850.1); c.49607C>T, p.Thr16536Met (NM_003319.4); c.69098C>T, p.Thr23033Met (NM_133378.4); c.49982C>T, p.Thr16661Met (NM_133432.3); c.50183C>T, p.Thr16728Met (NM_133437.4); short protein forms T25601M, T23960M, T16661M, T16536M, T16728M, T23033M.
Identifiers: ClinVar variation 467495 (VCV000467495.9), dbSNP rs374913031, ClinGen allele CA1989858.

ClinVar aggregate classification (germline): Conflicting classifications of pathogenicity. Review status: criteria provided, conflicting classifications (1 of 4 stars). 5 submissions from 5 submitters: Uncertain significance (4); Likely benign (1). Last evaluated 2026-09-05.

Conditions:
TTN-related disorder. Also called: TTN-related condition; TTN-related disease; TTN-related disorders.
Autosomal recessive limb-girdle muscular dystrophy type 2J (LGMDR10). Also called: Limb-girdle muscular dystrophy, type 2J; MUSCULAR DYSTROPHY, LIMB-GIRDLE, AUTOSOMAL RECESSIVE 10. Identifiers: Orphanet 140922, MedGen C1837342, MONDO:0012127, OMIM 608807.
Dilated cardiomyopathy 1G (CMD1G). Identifiers: Orphanet 154, MedGen C1858763, MONDO:0011400, OMIM 604145.
Cardiovascular phenotype. Identifiers: MedGen CN230736.

Allele frequency attached by ClinVar (database versions not stated): TOPMed 0.00003; ESP Exome Variant Server 0.00008.
gnomAD v4.1: 33 of 1,613,138 alleles (0.002%); highest among the groups gnomAD compares: South Asian, 0.02%; no homozygotes.

Submissions (5):

PreventionGenetics, part of Exact Sciences
Classification: Uncertain significance for TTN-related condition. Last evaluated: 2026-09-05. Review status: criteria provided, single submitter. Criteria: ACMG Guidelines, 2015. Collection method: clinical testing. Allele origin: germline.
Comment: The TTN c.76802C>T variant is predicted to result in the amino acid substitution p.Thr25601Met. To our knowledge, this variant has not been reported in the literature. This variant is reported in 0.026% of alleles in individuals of South Asian descent in gnomAD. At this time, the clinical significance of this variant is uncertain due to the absence of conclusive functional and genetic evidence.

Mayo Clinic Laboratories, Mayo Clinic
Classification: Uncertain significance. Last evaluated: 2025-10-10. Review status: criteria provided, single submitter. Criteria: ACMG Guidelines, 2015. Collection method: clinical testing. Allele origin: germline. Observed: 1 variant allele.

GeneDx
Classification: Likely benign. Last evaluated: 2021-03-08. Review status: criteria provided, single submitter. Criteria: GeneDx Variant Classification Process June 2021. Collection method: clinical testing. Allele origin: germline. Affected: yes.
Comment: Has not been previously published as pathogenic or benign to our knowledge

Ambry Genetics
Classification: Uncertain significance for Cardiovascular phenotype. Last evaluated: 2019-11-11. Review status: criteria provided, single submitter. Criteria: Ambry Variant Classification Scheme 2023. Collection method: clinical testing. Allele origin: germline.
Comment: The p.T16536M variant (also known as c.49607C>T), located in coding exon 153 of the TTN gene, results from a C to T substitution at nucleotide position 49607. The threonine at codon 16536 is replaced by methionine, an amino acid with similar properties. This amino acid position is well conserved in available vertebrate species. In addition, this alteration is predicted to be tolerated by in silico analysis. Since supporting evidence is limited at this time, the clinical significance of this alteration remains unclear.

Labcorp Genetics (formerly Invitae), Labcorp
Classification: Uncertain significance for Dilated cardiomyopathy 1G; Autosomal recessive limb-girdle muscular dystrophy type 2J. Last evaluated: 2017-11-03. Review status: criteria provided, single submitter. Criteria: Invitae Variant Classification Sherloc (09022015). Collection method: clinical testing. Allele origin: germline.